The following is an entry in ClinVar:

ClinVar aggregate classification (germline): Uncertain significance. Review status: criteria provided, multiple submitters, no conflicts (2 of 4 stars). 3 submissions from 3 submitters: Uncertain significance (3). Last evaluated 2025-01-21.

Conditions:
Hereditary cancer-predisposing syndrome. Also called: Neoplastic Syndromes, Hereditary; Tumor predisposition; Hereditary Cancer Syndrome; Hereditary neoplastic syndrome. Identifiers: Orphanet 140162, MedGen C0027672, MeSH D009386, MONDO:0015356.
Hereditary breast ovarian cancer syndrome. Also called: BRCA1- and BRCA2-Associated Hereditary Breast and Ovarian Cancer; Hereditary breast and ovarian cancer syndrome; Hereditary breast and ovarian cancer; Hereditary breast and ovarian cancer syndrome (HBOC); Breast and ovarian cancer; Hereditary breast and/or ovarian cancer syndrome. Identifiers: Orphanet 145, MedGen C0677776, MeSH D061325, MONDO:0003582. Disease mechanism: loss of function.

Allele frequency attached by ClinVar (database versions not stated): gnomAD 0.00003.
gnomAD v4.1: 1 of 1,576,836 alleles (0.000063%); highest among the groups gnomAD compares: African/African-American, 0.0013%; no homozygotes.

Submissions (3):

Ambry Genetics
Classification: Uncertain significance for Hereditary cancer-predisposing syndrome. Last evaluated: 2025-01-21. Review status: criteria provided, single submitter. Criteria: Ambry Variant Classification Scheme 2023. Collection method: clinical testing. Allele origin: germline.
Comment: The p.N108T variant (also known as c.323A>C), located in coding exon 3 of the BRCA2 gene, results from an A to C substitution at nucleotide position 323. The asparagine at codon 108 is replaced by threonine, an amino acid with similar properties. This amino acid position is poorly conserved in available vertebrate species. In addition, this alteration is predicted to be tolerated by in silico analysis. Since supporting evidence is limited at this time, the clinical significance of this alteration remains unclear.

GeneDx
Classification: Uncertain significance. Last evaluated: 2023-01-25. Review status: criteria provided, single submitter. Criteria: GeneDx Variant Classification Process June 2021. Collection method: clinical testing. Allele origin: germline. Affected: yes.
Comment: Not observed at significant frequency in large population cohorts (gnomAD); In silico analysis supports that this missense variant does not alter protein structure/function; Has not been previously published as pathogenic or benign to our knowledge; This variant is associated with the following publications: (PMID: 32377563, 31853058, 29884841)

Labcorp Genetics (formerly Invitae), Labcorp
Classification: Uncertain significance for Hereditary breast ovarian cancer syndrome. Last evaluated: 2020-01-29. Review status: criteria provided, single submitter. Criteria: Invitae Variant Classification Sherloc (09022015). Collection method: clinical testing. Allele origin: germline.
Comment: In summary, the available evidence is currently insufficient to determine the role of this variant in disease. Therefore, it has been classified as a Variant of Uncertain Significance. Algorithms developed to predict the effect of missense changes on protein structure and function (SIFT, PolyPhen-2, Align-GVGD) all suggest that this variant is likely to be tolerated, but these predictions have not been confirmed by published functional studies and their clinical significance is uncertain. This variant has not been reported in the literature in individuals with BRCA2-related conditions. ClinVar contains an entry for this variant (Variation ID: 232183). This variant is not present in population databases (ExAC no frequency). This sequence change replaces asparagine with threonine at codon 108 of the BRCA2 protein (p.Asn108Thr). The asparagine residue is weakly conserved and there is a small physicochemical difference between asparagine and threonine.

NM_000059.4(BRCA2):c.323A>C (p.Asn108Thr)

Gene: BRCA2 (BRCA2 DNA repair associated; plus strand). Cytogenetic location: 13q13.1.
Variant type: single nucleotide variant.
Coding change: c.323A>C on transcript NM_000059.4 (MANE Select); coding-DNA position 323, A replaced by C.
Protein change: p.Asn108Thr; replaces asparagine 108 with threonine.
Molecular consequence: missense variant.
Genome position (GRCh38, 1-based): chr13:32,325,082, A>C. VCF-style: chr13-32325082-A-C. GRCh37 (hg19) VCF-style: chr13-32899219-A-C.
Other names: short protein forms N108T.
Identifiers: ClinVar variation 232183 (VCV000232183.18), dbSNP rs80358568, ClinGen allele CA10579453.